The following is an entry in ClinVar:

NM_138694.4(PKHD1):c.12088C>A (p.Gln4030Lys)

Gene: PKHD1 (PKHD1 ciliary IPT domain containing fibrocystin/polyductin; minus strand). Cytogenetic location: 6p12.3.
Variant type: single nucleotide variant.
Coding change: c.12088C>A on transcript NM_138694.4 (MANE Select); coding-DNA position 12088, C replaced by A.
Protein change: p.Gln4030Lys; replaces glutamine 4030 with lysine.
Molecular consequence: missense variant.
Genome position (GRCh38, 1-based): chr6:51,619,218, G>T on the plus strand (C>A on the coding strand, the complement: PKHD1 is on the minus strand). VCF-style: chr6-51619218-G-T. GRCh37 (hg19) VCF-style: chr6-51484016-G-T.
Other names: short protein forms Q4030K.
Identifiers: ClinVar variation 947536 (VCV000947536.9), dbSNP rs531466080, ClinGen allele CA3850620.
Genomic context (GRCh38, chr6:51,619,218, plus strand): 5'-TCTCTTGGGAAAGCCCCAAGCTGCCACTTTGCTTACTCAGCCGACTTTGCCCTGGCAACT[G>T]CTGCCTCTCTTGTCTGAAGTCTGGGCATAGCAGCAGCAGCTGATTTTGGCCTGCCAGCTG-3'
Protein context (NP_619639.3, residues 4020-4040): LCPDFRQERQ[Gln4030Lys]LPGQSRLSKQ

ClinVar aggregate classification (germline): Uncertain significance. Review status: criteria provided, multiple submitters, no conflicts (2 of 4 stars). 3 submissions from 3 submitters: Uncertain significance (2). 1 of the submissions does not count toward it. Last evaluated 2022-08-23.

Conditions:
Autosomal recessive polycystic kidney disease (ARPKD). Also called: AR polycystic kidney disease. Identifiers: Orphanet 731, Orphanet 8378, MedGen C0085548, MeSH D017044, MONDO:0009889.
Polycystic kidney disease 4 (PKD4). Also called: PKD3; POLYCYSTIC KIDNEY AND HEPATIC DISEASE 1; POLYCYSTIC KIDNEY DISEASE, INFANTILE, TYPE I; POLYCYSTIC KIDNEY DISEASE 4 WITH OR WITHOUT POLYCYSTIC LIVER DISEASE; Autosomal Recessive Polycystic Kidney Disease – PKHD1. Identifiers: MedGen C4540575, MONDO:0033004, OMIM 263200.

Allele frequency attached by ClinVar (database versions not stated): gnomAD exomes below 0.00001 and 0.00001; gnomAD 0.00001; ExAC 0.00002; 1000 Genomes Project 30x 0.00016; 1000 Genomes Project 0.00020.
gnomAD v4.1: 6 of 1,614,268 alleles (0.00037%); highest among the groups gnomAD compares: East Asian, 0.0067%; no homozygotes.

Submissions (3):

Labcorp Genetics (formerly Invitae), Labcorp
Classification: Uncertain significance for Autosomal recessive polycystic kidney disease. Last evaluated: 2022-08-23. Review status: criteria provided, single submitter. Criteria: Invitae Variant Classification Sherloc (09022015). Collection method: clinical testing. Allele origin: germline.
Comment: This sequence change replaces glutamine, which is neutral and polar, with lysine, which is basic and polar, at codon 4030 of the PKHD1 protein (p.Gln4030Lys). This variant is present in population databases (rs531466080, gnomAD 0.01%). This variant has not been reported in the literature in individuals affected with PKHD1-related conditions. ClinVar contains an entry for this variant (Variation ID: 947536). Advanced modeling of protein sequence and biophysical properties (such as structural, functional, and spatial information, amino acid conservation, physicochemical variation, residue mobility, and thermodynamic stability) performed at Invitae indicates that this missense variant is not expected to disrupt PKHD1 protein function. In summary, the available evidence is currently insufficient to determine the role of this variant in disease. Therefore, it has been classified as a Variant of Uncertain Significance.

Fulgent Genetics
Classification: Uncertain significance for Polycystic kidney disease 4. Last evaluated: 2022-02-10. Review status: criteria provided, single submitter. Criteria: ACMG Guidelines, 2015. Collection method: clinical testing. Allele origin: unknown.

Natera, Inc.
Classification: Uncertain significance for Autosomal recessive polycystic kidney disease. Last evaluated: 2018-06-08. Review status: no assertion criteria provided. Collection method: clinical testing. Allele origin: germline. Not counted in ClinVar's aggregate classification.